The following is an entry in ClinVar:

NM_001387430.1(SH2B1):c.143A>T (p.Tyr48Phe)

Gene: SH2B1 (SH2B adaptor protein 1; plus strand). Cytogenetic location: 16p11.2.
Variant type: single nucleotide variant.
Coding change: c.143A>T on transcript NM_001387430.1 (MANE Select); coding-DNA position 143, A replaced by T.
Protein change: p.Tyr48Phe; replaces tyrosine 48 with phenylalanine.
Molecular consequence: missense variant. On other transcripts: intron variant (1).
Genome position (GRCh38, 1-based): chr16:28,866,237, A>T. VCF-style: chr16-28866237-A-T. GRCh37 (hg19) VCF-style: chr16-28877558-A-T.
Other names: c.143A>T, p.Tyr48Phe (NM_001145812.2, NM_001308293.2, NM_001387404.1 and 4 more transcripts); c.-26-1137A>T (NM_001308294.2); short protein forms Y48F.
Identifiers: ClinVar variation 4527686 (VCV004527686.1).

ClinVar aggregate classification (germline): Uncertain significance (1 of 4 stars; one submission).

gnomAD v4.1: 1 of 1,609,326 alleles (0.000062%); highest among the groups gnomAD compares: African/African-American, 0.0013%; no homozygotes.

Submission:

GeneDx
Classification: Uncertain significance. Last evaluated: 2025-04-25. Review status: criteria provided, single submitter. Criteria: GeneDx Variant Classification Process June 2021. Collection method: clinical testing. Allele origin: germline. Affected: yes.
Comment: Not observed at significant frequency in large population cohorts (gnomAD); In silico analysis indicates that this missense variant does not alter protein structure/function; Has not been previously published as pathogenic or benign to our knowledge